The following is an entry in ClinVar:

NM_003738.5(PTCH2):c.1468C>T (p.Arg490Cys)

Gene: PTCH2 (patched 2; minus strand). Cytogenetic location: 1p34.1.
Variant type: single nucleotide variant.
Coding change: c.1468C>T on transcript NM_003738.5 (MANE Select); coding-DNA position 1468, C replaced by T.
Protein change: p.Arg490Cys; replaces arginine 490 with cysteine.
Molecular consequence: missense variant.
Genome position (GRCh38, 1-based): chr1:44,828,628, G>A on the plus strand (C>T on the coding strand, the complement: PTCH2 is on the minus strand). VCF-style: chr1-44828628-G-A. GRCh37 (hg19) VCF-style: chr1-45294300-G-A.
Other names: c.1468C>T, p.Arg490Cys (NM_001166292.2); short protein forms R490C.
Identifiers: ClinVar variation 2147462 (VCV002147462.4), dbSNP rs150986689, ClinGen allele CA823297.
Genomic context (GRCh38, chr1:44,828,628, plus strand): 5'-TGTTGTTGATGGATGTGAGTACGACACTGGTGCCCGTGCGCTGCAGACACTCGCCCATGC[G>A]CTCCTGCCAGGACAGAGTGGGGACCTGCCCTCAGGTCACAAGGGAGGGGCCGTGTCAAAG-3'
Protein context (NP_003729.3, residues 480-500): EALPGTPLQE[Arg490Cys]MGECLQRTGT

ClinVar aggregate classification (germline): Uncertain significance (1 of 4 stars; one submission).

Conditions:
Gorlin syndrome. Also called: Nevoid Basal Cell Carcinoma Syndrome; Basal cell nevus syndrome. Identifiers: Orphanet 377, MedGen C0004779, MONDO:0007187.

Allele frequency attached by ClinVar (database versions not stated): ExAC 0.00001; gnomAD 0.00001; gnomAD exomes 0.00001; TOPMed 0.00002; ESP Exome Variant Server 0.00008; 1000 Genomes Project 0.00020; 1000 Genomes Project 30x 0.00031.
gnomAD v4.1: 18 of 1,611,946 alleles (0.0011%); highest among the groups gnomAD compares: South Asian, 0.0055%; no homozygotes.

Submission:

Labcorp Genetics (formerly Invitae), Labcorp
Classification: Uncertain significance for Gorlin syndrome. Last evaluated: 2023-03-16. Review status: criteria provided, single submitter. Criteria: Invitae Variant Classification Sherloc (09022015). Collection method: clinical testing. Allele origin: germline.
Comment: This variant is present in population databases (rs150986689, gnomAD 0.007%). This sequence change replaces arginine, which is basic and polar, with cysteine, which is neutral and slightly polar, at codon 490 of the PTCH2 protein (p.Arg490Cys). This variant has not been reported in the literature in individuals affected with PTCH2-related conditions. ClinVar contains an entry for this variant (Variation ID: 2147462). Advanced modeling of protein sequence and biophysical properties (such as structural, functional, and spatial information, amino acid conservation, physicochemical variation, residue mobility, and thermodynamic stability) performed at Invitae indicates that this missense variant is not expected to disrupt PTCH2 protein function. In summary, the available evidence is currently insufficient to determine the role of this variant in disease. Therefore, it has been classified as a Variant of Uncertain Significance.